The following is an entry in ClinVar:

NM_005708.5(GPC6):c.-320C>A

Gene: GPC6 (glypican 6; plus strand). Cytogenetic location: 13q31.3.
Variant type: single nucleotide variant.
Coding change: c.-320C>A on transcript NM_005708.5 (MANE Select); 320 bases upstream of the start codon, C replaced by A.
Molecular consequence: 5 prime UTR variant.
Genome position (GRCh38, 1-based): chr13:93,227,137, C>A. VCF-style: chr13-93227137-C-A. GRCh37 (hg19) VCF-style: chr13-93879390-C-A.
Identifiers: ClinVar variation 312531 (VCV000312531.8), dbSNP rs17645969, ClinGen allele CA10634563.
Genomic context (GRCh38, chr13:93,227,137, plus strand): 5'-CGAGCCGAGCCCGCAGCGCTCCAGGATTCTGCGGCTCGGAACTCGGATTGCAGCTCTGAA[C>A]CCCCATGGTGGTTTTTTAAACACTTCTTTTCCTTCTCTTCCTCGTTTTGATTGCACCGTT-3'

ClinVar aggregate classification (germline): Benign. Review status: criteria provided, multiple submitters, no conflicts (2 of 4 stars). 3 submissions from 3 submitters: Benign (3). Last evaluated 2018-11-12.

Conditions:
Autosomal recessive omodysplasia (OMOD1). Also called: MICROMELIC DYSPLASIA, CONGENITAL, WITH DISLOCATION OF RADIUS. Identifiers: Orphanet 2733, Orphanet 93329, MedGen C1850318, MONDO:0009779, OMIM 258315.

Allele frequency attached by ClinVar (database versions not stated): 1000 Genomes Project 0.12800; 1000 Genomes Project 30x 0.12820; gnomAD exomes 0.14779; gnomAD 0.15297 and 0.15360; TOPMed 0.15482.
gnomAD v4.1: 31,765 of 209,264 alleles (15%); highest among the groups gnomAD compares: Admixed American, 21%; 2,806 homozygotes.

Submissions (3):

GeneDx
Classification: Benign. Last evaluated: 2018-11-12. Review status: criteria provided, single submitter. Criteria: GeneDx Variant Classification Process June 2021. Collection method: clinical testing. Allele origin: germline. Affected: yes.

Illumina Laboratory Services, Illumina
Classification: Benign for Autosomal recessive omodysplasia. Last evaluated: 2018-01-12. Review status: criteria provided, single submitter. Criteria: ICSL Variant Classification Criteria 13 December 2019. Collection method: clinical testing. Allele origin: germline.
Comment: This variant was observed in the ICSL laboratory as part of a predisposition screen in an ostensibly healthy population. It had not been previously curated by ICSL or reported in the Human Gene Mutation Database (HGMD: prior to June 1st, 2018), and was therefore a candidate for classification through an automated scoring system. Utilizing variant allele frequency, disease prevalence and penetrance estimates, and inheritance mode, an automated score was calculated to assess if this variant is too frequent to cause the disease. Based on the score and internal cut-off values, a variant classified as benign is not then subjected to further curation. The score for this variant resulted in a classification of benign for this disease.

Breakthrough Genomics
Classification: Benign. Review status: criteria provided, single submitter. Criteria: ACMG Guidelines, 2015. Collection method: not provided. Allele origin: germline. Inheritance: Autosomal recessive inheritance. Affected: yes.